The following is an entry in ClinVar:

ClinVar aggregate classification (germline): Uncertain significance. Review status: criteria provided, multiple submitters, no conflicts (2 of 4 stars). 5 submissions from 5 submitters: Uncertain significance (5). Last evaluated 2025-07-22.

Conditions:
Ataxia-pancytopenia syndrome (ATXPC). Also called: SAMD9L-Related Syndrome; SAMD9L Ataxia-Pancytopenia Syndrome. Identifiers: Orphanet 2585, MedGen C1327919, MONDO:0008038, OMIM 159550.
Inborn genetic diseases. Identifiers: MedGen C0950123, MeSH D030342.

Allele frequency attached by ClinVar (database versions not stated): gnomAD exomes 0.00001 and 0.00002; gnomAD 0.00002; TOPMed 0.00002.
gnomAD v4.1: 29 of 1,613,586 alleles (0.0018%); highest among the groups gnomAD compares: Admixed American, 0.0067%; no homozygotes.

Submissions (5):

Labcorp Genetics (formerly Invitae), Labcorp
Classification: Uncertain significance. Last evaluated: 2025-07-22. Review status: criteria provided, single submitter. Criteria: Invitae Variant Classification Sherloc (09022015). Collection method: clinical testing. Allele origin: germline.
Comment: This sequence change replaces arginine, which is basic and polar, with histidine, which is basic and polar, at codon 1298 of the SAMD9L protein (p.Arg1298His). This variant is present in population databases (no rsID available, gnomAD 0.006%). This variant has not been reported in the literature in individuals affected with SAMD9L-related conditions. ClinVar contains an entry for this variant (Variation ID: 1405557). Invitae Evidence Modeling of protein sequence and biophysical properties (such as structural, functional, and spatial information, amino acid conservation, physicochemical variation, residue mobility, and thermodynamic stability) indicates that this missense variant is not expected to disrupt SAMD9L protein function with a negative predictive value of 80%. In summary, the available evidence is currently insufficient to determine the role of this variant in disease. Therefore, it has been classified as a Variant of Uncertain Significance.

Ambry Genetics
Classification: Uncertain significance for Inborn genetic diseases. Last evaluated: 2025-01-10. Review status: criteria provided, single submitter. Criteria: Ambry Variant Classification Scheme 2023. Collection method: clinical testing. Allele origin: germline.
Comment: The p.R1298H variant (also known as c.3893G>A), located in coding exon 1 of the SAMD9L gene, results from a G to A substitution at nucleotide position 3893. The arginine at codon 1298 is replaced by histidine, an amino acid with highly similar properties. This amino acid position is conserved. In addition, this alteration is predicted to be tolerated by in silico analysis. Based on the available evidence, the clinical significance of this variant remains unclear.

GeneDx
Classification: Uncertain significance. Last evaluated: 2024-12-06. Review status: criteria provided, single submitter. Criteria: GeneDx Variant Classification Process June 2021. Collection method: clinical testing. Allele origin: germline.
Comment: Not observed at significant frequency in large population cohorts (gnomAD); In silico analysis indicates that this missense variant does not alter protein structure/function; Has not been previously published as pathogenic or benign to our knowledge; This variant is associated with the following publications: (PMID: 35310830)

Johns Hopkins Genomics, Johns Hopkins University
Classification: Uncertain significance for Ataxia-pancytopenia syndrome. Last evaluated: 2022-05-07. Review status: criteria provided, single submitter. Criteria: ACMG Guidelines, 2015. Collection method: clinical testing. Allele origin: germline.
Comment: This SAMD9L variant (rs1010548594) is rare (<0.1%) in a large population dataset (gnomAD: 2/249554 total alleles; 0.0008%; no homozygotes) and has been reported in ClinVar. This missense variant has not been reported in individuals with SCA49 in the literature. Three bioinformatic tools queried predict that this substitution would be tolerated; the arginine residue at this position is conserved across most primates, but weakly conserved across other vertebrate species assessed. Bioinformatic analysis predicts that this variant would not affect normal exon 5 splicing, although this has not been confirmed experimentally to our knowledge. Due to insufficient evidence, we consider the clinical significance of c.3893G>A to be uncertain at this time.

Blueprint Genetics
Classification: Uncertain significance. Last evaluated: 2022-03-28. Review status: criteria provided, single submitter. Criteria: ACMG Guidelines, 2015. Collection method: clinical testing. Allele origin: germline.

Literature cited by the submitters: PubMed 35310830 (cited by Johns Hopkins Genomics, Johns Hopkins University).

NM_152703.5(SAMD9L):c.3893G>A (p.Arg1298His)

Gene: SAMD9L (sterile alpha motif domain containing 9 like; minus strand). Cytogenetic location: 7q21.2.
Variant type: single nucleotide variant.
Coding change: c.3893G>A on transcript NM_152703.5 (MANE Select); coding-DNA position 3893, G replaced by A.
Protein change: p.Arg1298His; replaces arginine 1298 with histidine.
Molecular consequence: missense variant.
Genome position (GRCh38, 1-based): chr7:93,132,079, C>T on the plus strand (G>A on the coding strand, the complement: SAMD9L is on the minus strand). VCF-style: chr7-93132079-C-T. GRCh37 (hg19) VCF-style: chr7-92761392-C-T.
Other names: c.3893G>A, p.Arg1298His (NM_001303496.3, NM_001303497.3, NM_001303498.3 and 5 more transcripts); c.3893G>A (NM_152703.3, NM_152703.2); short protein forms R1298H.
Identifiers: ClinVar variation 1405557 (VCV001405557.10), dbSNP rs1010548594, ClinGen allele CA161958894.
Genomic context (GRCh38, chr7:93,132,079, plus strand): 5'-TTACTTTGTAATAGACATGGATCCAAATGACAGAAAAGTTCTGTGTATTTCCTGAAACAA[C>T]GACTGACTTTCTTGCTTAACATGATTTCTGCAATTTCTTTTTGGGTATACCTCATTTTCA-3'
Protein context (NP_689916.2, residues 1288-1308): AEIMLSKKVS[Arg1298His]CFRKYTELFC